The following is an entry in ClinVar:

NM_032119.4(ADGRV1):c.12220T>C (p.Trp4074Arg)

Gene: ADGRV1 (adhesion G protein-coupled receptor V1; plus strand). Cytogenetic location: 5q14.3.
Variant type: single nucleotide variant.
Coding change: c.12220T>C on transcript NM_032119.4 (MANE Select); coding-DNA position 12220, T replaced by C.
Protein change: p.Trp4074Arg; replaces tryptophan 4074 with arginine.
Molecular consequence: missense variant. On other transcripts: non-coding transcript variant (1).
Genome position (GRCh38, 1-based): chr5:90,763,404, T>C. VCF-style: chr5-90763404-T-C. GRCh37 (hg19) VCF-style: chr5-90059221-T-C.
Other names: short protein forms W4074R.
Identifiers: ClinVar variation 1367053 (VCV001367053.8), dbSNP rs2150015489, ClinGen allele CA360378167.
Genomic context (GRCh38, chr5:90,763,404, plus strand): 5'-TCATATGTGACATTGACGGTTGTCCGGTCCCCAGGAGGAAAAGGAACCGTCCGACTTGAG[T>C]GGACCATAGATGAGAAGGCTAAACATAACCTTAGTCCTTTGAATGGGACCCTTCATTTTG-3'
Protein context (NP_115495.3, residues 4064-4084): PGGKGTVRLE[Trp4074Arg]TIDEKAKHNL

ClinVar aggregate classification (germline): Uncertain significance (1 of 4 stars; one submission).

Submission:

Labcorp Genetics (formerly Invitae), Labcorp
Classification: Uncertain significance. Last evaluated: 2021-07-13. Review status: criteria provided, single submitter. Criteria: Invitae Variant Classification Sherloc (09022015). Collection method: clinical testing. Allele origin: germline.
Comment: In summary, the available evidence is currently insufficient to determine the role of this variant in disease. Therefore, it has been classified as a Variant of Uncertain Significance. Algorithms developed to predict the effect of missense changes on protein structure and function are either unavailable or do not agree on the potential impact of this missense change (SIFT: "Deleterious"; PolyPhen-2: "Probably Damaging"; Align-GVGD: "Class C0"). This variant has not been reported in the literature in individuals affected with ADGRV1-related conditions. This variant is not present in population databases (ExAC no frequency). This sequence change replaces tryptophan with arginine at codon 4074 of the ADGRV1 protein (p.Trp4074Arg). The tryptophan residue is highly conserved and there is a moderate physicochemical difference between tryptophan and arginine.